The following is an entry in ClinVar:

ClinVar aggregate classification (germline): Uncertain significance. Review status: criteria provided, multiple submitters, no conflicts (2 of 4 stars). 2 submissions from 2 submitters: Uncertain significance (2). Last evaluated 2025-03-17.

Conditions:
Isolated microphthalmia 5. Also called: Posterior Microphthalmia with Retinitis Pigmentosa, Foveoschisis, and Optic Disc Drusen. Identifiers: Orphanet 251279, MedGen C1970236, MONDO:0012605, OMIM 611040.

Allele frequency attached by ClinVar (database versions not stated): gnomAD 0.00001.

Submissions (2):

Labcorp Genetics (formerly Invitae), Labcorp
Classification: Uncertain significance for Isolated microphthalmia 5. Last evaluated: 2025-03-17. Review status: criteria provided, single submitter. Criteria: Invitae Variant Classification Sherloc (09022015). Collection method: clinical testing. Allele origin: germline.
Comment: This sequence change replaces alanine, which is neutral and non-polar, with aspartic acid, which is acidic and polar, at codon 86 of the MFRP protein (p.Ala86Asp). This variant is present in population databases (no rsID available, gnomAD 0.007%). This variant has not been reported in the literature in individuals affected with MFRP-related conditions. ClinVar contains an entry for this variant (Variation ID: 1491257). Invitae Evidence Modeling of protein sequence and biophysical properties (such as structural, functional, and spatial information, amino acid conservation, physicochemical variation, residue mobility, and thermodynamic stability) indicates that this missense variant is not expected to disrupt MFRP protein function with a negative predictive value of 80%. In summary, the available evidence is currently insufficient to determine the role of this variant in disease. Therefore, it has been classified as a Variant of Uncertain Significance.

Blueprint Genetics
Classification: Uncertain significance. Last evaluated: 2020-08-24. Review status: criteria provided, single submitter. Criteria: ACMG Guidelines, 2015. Collection method: clinical testing. Allele origin: germline.

NM_031433.4(MFRP):c.257C>A (p.Ala86Asp)

Genes: C1QTNF5 (C1q and TNF related 5; minus strand), MFRP (membrane frizzled-related protein; minus strand). Cytogenetic location: 11q23.3.
Variant type: single nucleotide variant.
Coding change: c.257C>A on transcript NM_031433.4 (MANE Select); coding-DNA position 257, C replaced by A.
Protein change: p.Ala86Asp; replaces alanine 86 with aspartic acid.
Molecular consequence: missense variant. On other transcripts: 5 prime UTR variant (1).
Genome position (GRCh38, 1-based): chr11:119,346,060, G>T on the plus strand (C>A on the coding strand, the complement: MFRP is on the minus strand). VCF-style: chr11-119346060-G-T. GRCh37 (hg19) VCF-style: chr11-119216770-G-T.
Other names: c.-2380C>A (NM_015645.5); short protein forms A86D.
Identifiers: ClinVar variation 1491257 (VCV001491257.8), dbSNP rs1450424164, ClinGen allele CA382979397.